The following is an entry in ClinVar:

ClinVar aggregate classification (germline): Likely benign (0 of 4 stars; one submission).

Allele frequency attached by ClinVar (database versions not stated): gnomAD exomes 0.00008 and 0.00025; ExAC 0.00045; 1000 Genomes Project 0.00053; 1000 Genomes Project 30x 0.00062; gnomAD 0.00088 and 0.00094; TOPMed 0.00109; ESP Exome Variant Server 0.00142.

Submission:

Department of Pathology and Laboratory Medicine, Sinai Health System
Classification: Likely benign. Review status: no assertion criteria provided. Collection method: clinical testing. Allele origin: unknown. Affected: yes. Study: The Canadian Open Genetics Repository (COGR).
Comment: The TFE3 p.Ser203Asn variant was not identified in the literature nor was it identified in ClinVar or LOVD 3.0. The variant was identified in dbSNP (ID: rs139188133) and in control databases in 54 of 190164 chromosomes (11 hemizygous) at a frequency of 0.000284 (Genome Aggregation Database March 6, 2019, v2.1.1). The variant was observed in the following populations: African in 53 of 18022 chromosomes (freq: 0.002941) and Latino in 1 of 26649 chromosomes (freq: 0.000038), but was not observed in the Ashkenazi Jewish, East Asian, European (Finnish), European (non-Finnish), Other, or South Asian populations. The p.Ser203 residue is not conserved in mammals and four out of five computational analyses (PolyPhen-2, SIFT, AlignGVGD, BLOSUM, MutationTaster) do not suggest a high likelihood of impact to the protein; however, this information is not predictive enough to rule out pathogenicity. The variant occurs outside of the splicing consensus sequence and in silico or computational prediction software programs (SpliceSiteFinder, MaxEntScan, NNSPLICE, GeneSplicer) do not predict a difference in splicing. In summary, based on the above information the clinical significance of this variant cannot be determined with certainty at this time although we would lean towards a more benign role for this variant. This variant is classified as likely benign.

NM_006521.6(TFE3):c.923G>A (p.Ser308Asn)

Gene: TFE3 (transcription factor binding to IGHM enhancer 3; minus strand). Cytogenetic location: Xp11.23.
Variant type: single nucleotide variant.
Coding change: c.923G>A on transcript NM_006521.6 (MANE Select); coding-DNA position 923, G replaced by A.
Protein change: p.Ser308Asn; replaces serine 308 with asparagine.
Molecular consequence: missense variant.
Genome position (GRCh38, 1-based): chrX:49,034,214, C>T on the plus strand (G>A on the coding strand, the complement: TFE3 is on the minus strand). VCF-style: chrX-49034214-C-T. GRCh37 (hg19) VCF-style: chrX-48891729-C-T.
Other names: c.608G>A, p.Ser203Asn (NM_001282142.2); short protein forms S203N, S308N.
Identifiers: ClinVar variation 1048881 (VCV001048881.1), dbSNP rs139188133, ClinGen allele CA10407750.